The following is an entry in ClinVar:

NM_024422.6(DSC2):c.1984A>G (p.Thr662Ala)

Gene: DSC2 (desmocollin 2; minus strand). Cytogenetic location: 18q12.1.
Variant type: single nucleotide variant.
Coding change: c.1984A>G on transcript NM_024422.6 (MANE Select); coding-DNA position 1984, A replaced by G.
Protein change: p.Thr662Ala; replaces threonine 662 with alanine.
Molecular consequence: missense variant.
Genome position (GRCh38, 1-based): chr18:31,071,746, T>C on the plus strand (A>G on the coding strand, the complement: DSC2 is on the minus strand). VCF-style: chr18-31071746-T-C. GRCh37 (hg19) VCF-style: chr18-28651712-T-C.
Other names: c.1984A>G, p.Thr662Ala (NM_004949.5); short protein forms T662A.
Identifiers: ClinVar variation 927334 (VCV000927334.5), dbSNP rs1986840957, ClinGen allele CA402113222.

ClinVar aggregate classification (germline): Uncertain significance (1 of 4 stars; one submission).

Conditions:
Cardiomyopathy (CMYO). Also called: Cardiomyopathies. Identifiers: Orphanet 167848, MedGen C0878544, MONDO:0004994, HP:0001638. Inheritance: Various modes of inheritance.

Allele frequency attached by ClinVar (database versions not stated): gnomAD exomes below 0.00001.
gnomAD v4.1: 5 of 1,613,932 alleles (0.00031%); highest among the groups gnomAD compares: South Asian, 0.0011%; no homozygotes.

Submission:

Color Diagnostics, LLC DBA Color Health
Classification: Uncertain significance for Cardiomyopathy. Last evaluated: 2023-12-04. Review status: criteria provided, single submitter. Criteria: ACMG Guidelines, 2015. Collection method: clinical testing. Allele origin: germline.
Comment: Variant of Uncertain Significance due to insufficient evidence: This missense variant replaces threonine with alanine at codon 662 of the DSC2 protein. Computational prediction tools and conservation analyses are inconclusive regarding the impact of this variant on the protein function. Computational splicing tools suggest that this variant may not impact RNA splicing. To our knowledge, functional assays have not been performed for this variant nor has this variant been reported in individuals affected with cardiovascular disorders in the literature. This variant is rare in the general population and has been identified in 0/277264 chromosomes by the Genome Aggregation Database (gnomAD). Available evidence is insufficient to determine the role of this variant in disease conclusively.